The following is an entry in ClinVar:

ClinVar aggregate classification (germline): Conflicting classifications of pathogenicity. Review status: criteria provided, conflicting classifications (1 of 4 stars). 15 submissions from 15 submitters: Uncertain significance (1); Likely benign (8). 6 of the submissions do not count toward it. Last evaluated 2026-01-13.

Conditions:
MYH6-related disorder. Also called: MYH6-Related Disorders; MYH6-related condition.
Cardiovascular phenotype. Identifiers: MedGen CN230736.
Cardiomyopathy (CMYO). Also called: Cardiomyopathies. Identifiers: Orphanet 167848, MedGen C0878544, MONDO:0004994, HP:0001638. Inheritance: Various modes of inheritance.
Hypertrophic cardiomyopathy 14. Identifiers: MedGen C2750467, MONDO:0013197, OMIM 613251.

Allele frequency attached by ClinVar (database versions not stated): TOPMed 0.00031; gnomAD exomes 0.00037 and 0.00052; ExAC 0.00039; gnomAD 0.00041 and 0.00042; ESP Exome Variant Server 0.00054.
gnomAD v4.1: 826 of 1,614,116 alleles (0.051%); highest among the groups gnomAD compares: Middle Eastern, 0.2%; 3 homozygotes.

Submissions (15):

Labcorp Genetics (formerly Invitae), Labcorp
Classification: Likely benign for Hypertrophic cardiomyopathy 14. Last evaluated: 2026-01-13. Review status: criteria provided, single submitter. Criteria: Invitae Variant Classification Sherloc (09022015). Collection method: clinical testing. Allele origin: germline.

ARUP Laboratories, Molecular Genetics and Genomics, ARUP Laboratories
Classification: Likely benign. Last evaluated: 2025-07-28. Review status: criteria provided, single submitter. Criteria: ARUP Molecular Germline Variant Investigation Process 2024. Collection method: clinical testing. Allele origin: germline.

Laboratory of Genetics, Children's Clinical University Hospital Latvia
Classification: Likely benign. Last evaluated: 2025-02-16. Review status: criteria provided, single submitter. Criteria: ACMG Guidelines, 2015. Collection method: clinical testing. Allele origin: germline. Affected: yes.

Blueprint Genetics
Classification: Likely benign. Last evaluated: 2024-11-21. Review status: criteria provided, single submitter. Criteria: ACMG Guidelines, 2015. Collection method: clinical testing. Allele origin: germline.

CeGaT Center for Human Genetics Tuebingen
Classification: Likely benign. Last evaluated: 2023-10-01. Review status: criteria provided, single submitter. Criteria: CeGaT Center For Human Genetics Tuebingen Variant Classification Criteria Version 2. Collection method: clinical testing. Allele origin: germline. Affected: yes. Observed: 2 variant alleles.
Comment: MYH6: BP4

GeneDx
Classification: Likely benign. Last evaluated: 2021-02-04. Review status: criteria provided, single submitter. Criteria: GeneDx Variant Classification Process June 2021. Collection method: clinical testing. Allele origin: germline. Affected: yes.
Comment: This variant is associated with the following publications: (PMID: 26656175)

CHEO Genetics Diagnostic Laboratory, Children's Hospital of Eastern Ontario
Classification: Likely benign for Cardiomyopathy. Last evaluated: 2021-01-15. Review status: criteria provided, single submitter. Criteria: ACMG Guidelines, 2015. Collection method: clinical testing. Allele origin: germline.

Ambry Genetics
Classification: Likely benign for Cardiovascular phenotype. Last evaluated: 2019-03-26. Review status: criteria provided, single submitter. Criteria: Ambry Variant Classification Scheme 2023. Collection method: clinical testing. Allele origin: germline.

Laboratory for Molecular Medicine, Mass General Brigham Personalized Medicine
Classification: Uncertain significance. Last evaluated: 2013-03-06. Review status: criteria provided, single submitter. Criteria: LMM Criteria. Collection method: clinical testing. Allele origin: germline. Observed: 1 variant allele.
Comment: Variant classified as Uncertain Significance - Favor Benign. The 643-5C>T varian t in MYH6 has not been reported in the literature nor previously identified by o ur laboratory. This variant has been identified in 0.1% (7/8600) of European Ame rican chromosomes from a broad population by the NHLBI Exome Sequencing Project. This variant is located in the 3' splice re gion. Computational tools do not suggest an impact to splicing. However, this in formation is not predictive enough to rule out pathogenicity. Although this data supports that the 643-5C>T variant may be benign, additional studies are needed to fully assess its clinical significance.

PreventionGenetics, part of Exact Sciences
Classification: Likely benign for MYH6-related condition. Last evaluated: 2019-09-19. Review status: no assertion criteria provided. Collection method: clinical testing. Allele origin: germline. Not counted in ClinVar's aggregate classification.
Comment: This variant is classified as likely benign based on ACMG/AMP sequence variant interpretation guidelines (Richards et al. 2015 PMID: 25741868, with internal and published modifications).

Clinical Genetics DNA and cytogenetics Diagnostics Lab, Erasmus MC, Erasmus Medical Center
Classification: Likely benign. Review status: no assertion criteria provided. Collection method: clinical testing. Allele origin: germline. Affected: yes. Study: VKGL Data-share Consensus. Not counted in ClinVar's aggregate classification.

Clinical Genetics, Academic Medical Center
Classification: Benign. Review status: no assertion criteria provided. Collection method: clinical testing. Allele origin: germline. Affected: yes. Study: VKGL Data-share Consensus. Not counted in ClinVar's aggregate classification.

Diagnostic Laboratory, Department of Genetics, University Medical Center Groningen
Classification: Likely benign. Review status: no assertion criteria provided. Collection method: clinical testing. Allele origin: germline. Affected: yes. Study: VKGL Data-share Consensus. Not counted in ClinVar's aggregate classification.

Genome Diagnostics Laboratory, University Medical Center Utrecht
Classification: Likely benign. Review status: no assertion criteria provided. Collection method: clinical testing. Allele origin: germline. Affected: yes. Study: VKGL Data-share Consensus. Not counted in ClinVar's aggregate classification.

Joint Genome Diagnostic Labs from Nijmegen and Maastricht, Radboudumc and MUMC+
Classification: Likely benign. Review status: no assertion criteria provided. Collection method: clinical testing. Allele origin: germline. Affected: yes. Study: VKGL Data-share Consensus. Not counted in ClinVar's aggregate classification.

Literature cited by the submitters: PubMed 26656175 (cited by Ambry Genetics).

NM_002471.4(MYH6):c.643-5C>T

Gene: MYH6 (myosin heavy chain 6; minus strand). Cytogenetic location: 14q11.2.
Variant type: single nucleotide variant.
Coding change: c.643-5C>T on transcript NM_002471.4 (MANE Select); 5 bases into the intron before coding-DNA position 643, C replaced by T.
Molecular consequence: intron variant.
Genome position (GRCh38, 1-based): chr14:23,404,393, G>A on the plus strand (C>T on the coding strand, the complement: MYH6 is on the minus strand). VCF-style: chr14-23404393-G-A. GRCh37 (hg19) VCF-style: chr14-23873602-G-A.
Identifiers: ClinVar variation 44542 (VCV000044542.68), dbSNP rs199859986, ClinGen allele CA134491.
Genomic context (GRCh38, chr14:23,404,393, plus strand): 5'-TTGCCGAAGGCCTCCAGAGCGGGGTTGGCCTGGATGATCTGGTCCTCCAGGGTGCCCTAT[G>A]AAAGGAGCAGAACTGCATGGGTTCATCCTCCATCCACCTCCAGGCAGTGGTGAGAGGGCA-3'